The following is an entry in ClinVar:

ClinVar aggregate classification (germline): Uncertain significance (1 of 4 stars; one submission).

Submission:

Ambry Genetics
Classification: Uncertain significance. Last evaluated: 2024-05-04. Review status: criteria provided, single submitter. Criteria: Ambry Variant Classification Scheme 2023. Collection method: clinical testing. Allele origin: germline.
Comment: The p.A348G variant (also known as c.1043C>G), located in coding exon 9 of the FAM175A gene, results from a C to G substitution at nucleotide position 1043. The alanine at codon 348 is replaced by glycine, an amino acid with similar properties. This amino acid position is conserved. In addition, this alteration is predicted to be tolerated by in silico analysis. Based on the available evidence, the clinical significance of this variant remains unclear.

NM_139076.3(ABRAXAS1):c.1043C>G (p.Ala348Gly)

Gene: ABRAXAS1 (abraxas 1, BRCA1 A complex subunit; minus strand). Cytogenetic location: 4q21.23.
Variant type: single nucleotide variant.
Coding change: c.1043C>G on transcript NM_139076.3 (MANE Select); coding-DNA position 1043, C replaced by G.
Protein change: p.Ala348Gly; replaces alanine 348 with glycine.
Molecular consequence: missense variant.
Genome position (GRCh38, 1-based): chr4:83,462,656, G>C on the plus strand (C>G on the coding strand, the complement: ABRAXAS1 is on the minus strand). VCF-style: chr4-83462656-G-C. GRCh37 (hg19) VCF-style: chr4-84383809-G-C.
Other names: c.716C>G, p.Ala239Gly (NM_001345962.2); short protein forms A348G, A239G.
Identifiers: ClinVar variation 3334391 (VCV003334391.1).